The following is an entry in ClinVar:

NM_005035.4(POLRMT):c.1765A>G (p.Met589Val)

Gene: POLRMT (RNA polymerase mitochondrial; minus strand). Cytogenetic location: 19p13.3.
Variant type: single nucleotide variant.
Coding change: c.1765A>G on transcript NM_005035.4 (MANE Select); coding-DNA position 1765, A replaced by G.
Protein change: p.Met589Val; replaces methionine 589 with valine.
Molecular consequence: missense variant. On other transcripts: non-coding transcript variant (1), intron variant (2).
Genome position (GRCh38, 1-based): chr19:622,235, T>C on the plus strand (A>G on the coding strand, the complement: POLRMT is on the minus strand). VCF-style: chr19-622235-T-C. GRCh37 (hg19) VCF-style: chr19-622235-T-C.
Other names: c.1765A>G, p.Met589Val (NM_001407805.1, NM_001407808.1, NM_001407812.1 and 4 more transcripts); c.1756A>G, p.Met586Val (NM_001407806.1, NM_001407809.1); c.1753A>G, p.Met585Val (NM_001407807.1, NM_001407810.1); c.1723A>G, p.Met575Val (NM_001407811.1, NM_001407813.1); c.1441A>G, p.Met481Val (NM_001407831.1, NM_001407833.1, NM_001407835.1 and 1 more transcripts); c.1432A>G, p.Met478Val (NM_001407834.1); c.1626+347A>G (NM_001407832.1, NM_001407830.1); short protein forms M478V, M481V, M575V, M585V, M586V, M589V.
Identifiers: ClinVar variation 2648860 (VCV002648860.24), dbSNP rs1260021501, ClinGen allele CA402901733.

ClinVar aggregate classification (germline): Uncertain significance (1 of 4 stars; one submission).

Allele frequency attached by ClinVar (database versions not stated): gnomAD exomes below 0.00001; gnomAD 0.00001; TOPMed 0.00001.
gnomAD v4.1: 2 of 1,561,404 alleles (0.00013%); highest among the groups gnomAD compares: Admixed American, 0.0019%; no homozygotes.

Submission:

CeGaT Center for Human Genetics Tuebingen
Classification: Uncertain significance. Last evaluated: 2023-10-01. Review status: criteria provided, single submitter. Criteria: CeGaT Center For Human Genetics Tuebingen Variant Classification Criteria Version 2. Collection method: clinical testing. Allele origin: germline. Affected: yes. Observed: 1 variant allele.
Comment: POLRMT: PM2, BP4